The following is an entry in ClinVar:

NM_006642.5(SDCCAG8):c.1882A>G (p.Lys628Glu)

Gene: SDCCAG8 (SHH signaling and ciliogenesis regulator SDCCAG8; plus strand). Cytogenetic location: 1q43.
Variant type: single nucleotide variant.
Coding change: c.1882A>G on transcript NM_006642.5 (MANE Select); coding-DNA position 1882, A replaced by G.
Protein change: p.Lys628Glu; replaces lysine 628 with glutamic acid.
Molecular consequence: missense variant.
Genome position (GRCh38, 1-based): chr1:243,426,455, A>G. VCF-style: chr1-243426455-A-G. GRCh37 (hg19) VCF-style: chr1-243589757-A-G.
Other names: c.979A>G, p.Lys327Glu (NM_001350246.2, NM_001350247.2, NM_001350251.2); c.1978A>G, p.Lys660Glu (NM_001350248.2); c.1588A>G, p.Lys530Glu (NM_001350249.2); short protein forms K530E, K660E, K327E, K628E.
Identifiers: ClinVar variation 4997194 (VCV004997194.1).

ClinVar aggregate classification (germline): Uncertain significance (1 of 4 stars; one submission).

Conditions:
SDCCAG8-related disorder. Also called: SDCCAG8-Related Disorders; SDCCAG8-related condition.

Submission:

PreventionGenetics, part of Exact Sciences
Classification: Uncertain significance for SDCCAG8-related condition. Last evaluated: 2025-05-05. Review status: criteria provided, single submitter. Criteria: ACMG Guidelines, 2015. Collection method: clinical testing. Allele origin: germline.
Comment: The SDCCAG8 c.1882A>G variant is predicted to result in the amino acid substitution p.Lys628Glu. To our knowledge, this variant has not been reported in the literature or in a large population database (gnomAD), indicating this variant is rare. At this time, the clinical significance of this variant is uncertain due to the absence of conclusive functional and genetic evidence.